The following is an entry in ClinVar:

NM_002972.4(SBF1):c.5470C>T (p.Arg1824Cys)

Gene: SBF1 (SET binding factor 1; minus strand). Cytogenetic location: 22q13.33.
Variant type: single nucleotide variant.
Coding change: c.5470C>T on transcript NM_002972.4 (MANE Select); coding-DNA position 5470, C replaced by T.
Protein change: p.Arg1824Cys; replaces arginine 1824 with cysteine.
Molecular consequence: missense variant.
Genome position (GRCh38, 1-based): chr22:50,447,435, G>A on the plus strand (C>T on the coding strand, the complement: SBF1 is on the minus strand). VCF-style: chr22-50447435-G-A. GRCh37 (hg19) VCF-style: chr22-50885864-G-A.
Other names: c.5470C>T (NM_002972.2); c.5395C>T, p.Arg1799Cys (NM_001365819.1); short protein forms R1799C, R1824C.
Identifiers: ClinVar variation 1696832 (VCV001696832.5), dbSNP rs547807779, ClinGen allele CA10315821.

ClinVar aggregate classification (germline): Uncertain significance. Review status: criteria provided, multiple submitters, no conflicts (2 of 4 stars). 4 submissions from 4 submitters: Uncertain significance (3). 1 of the submissions does not count toward it. Last evaluated 2026-06-09.

Conditions:
Peripheral neuropathy. Also called: Neuropathy. Identifiers: MedGen C0031117, MONDO:0005244, HP:0009830.

Allele frequency attached by ClinVar (database versions not stated): 1000 Genomes Project 30x 0.00016; ExAC 0.00004; 1000 Genomes Project 0.00020.
gnomAD v4.1: 104 of 1,613,808 alleles (0.0064%); highest among the groups gnomAD compares: East Asian, 0.098%; no homozygotes.

Submissions (4):

Women's Health and Genetics/Laboratory Corporation of America, LabCorp
Classification: Uncertain significance. Last evaluated: 2026-06-09. Review status: criteria provided, single submitter. Criteria: LabCorp Variant Classification Summary - May 2015. Collection method: clinical testing. Allele origin: germline.
Comment: Variant summary: SBF1 c.5470C>T (p.Arg1824Cys) results in a non-conservative amino acid change in the encoded protein sequence. Algorithms developed to predict the effect of missense changes on protein structure and function are either unavailable or do not agree on the potential impact of this missense change. The variant allele was found at a frequency of 5.6e-05 in 249466 control chromosomes. This frequency is not significantly higher than estimated for disease-causing variants in SBF1, allowing no conclusion about variant significance. To our knowledge, no occurrence of c.5470C>T in individuals affected with SBF1-related conditions and no experimental evidence demonstrating its impact on protein function have been reported. ClinVar contains an entry for this variant (Variation ID: 1696832). Based on the evidence outlined above, the variant was classified as uncertain significance.

Ambry Genetics
Classification: Uncertain significance. Last evaluated: 2024-10-16. Review status: criteria provided, single submitter. Criteria: Ambry Variant Classification Scheme 2023. Collection method: clinical testing. Allele origin: germline.

Labcorp Genetics (formerly Invitae), Labcorp
Classification: Uncertain significance. Last evaluated: 2022-07-25. Review status: criteria provided, single submitter. Criteria: Invitae Variant Classification Sherloc (09022015). Collection method: clinical testing. Allele origin: germline.
Comment: This sequence change replaces arginine, which is basic and polar, with cysteine, which is neutral and slightly polar, at codon 1824 of the SBF1 protein (p.Arg1824Cys). This variant is present in population databases (rs547807779, gnomAD 0.03%). This variant has not been reported in the literature in individuals affected with SBF1-related conditions. Algorithms developed to predict the effect of missense changes on protein structure and function are either unavailable or do not agree on the potential impact of this missense change (SIFT: "Deleterious"; PolyPhen-2: "Probably Damaging"; Align-GVGD: "Class C0"). In summary, the available evidence is currently insufficient to determine the role of this variant in disease. Therefore, it has been classified as a Variant of Uncertain Significance.

Institute of Human Genetics, University of Wuerzburg
Classification: Uncertain significance for Peripheral neuropathy. Review status: no assertion criteria provided. Collection method: clinical testing. Allele origin: unknown. Affected: yes. Observed: 1 variant allele. Not counted in ClinVar's aggregate classification.